The following is an entry in ClinVar:

ClinVar aggregate classification (germline): Uncertain significance (1 of 4 stars; one submission).

gnomAD v4.1: 2 of 1,614,066 alleles (0.00012%); highest among the groups gnomAD compares: Non-Finnish European, 0.000085%; no homozygotes.

Submission:

GeneDx
Classification: Uncertain significance. Last evaluated: 2024-01-03. Review status: criteria provided, single submitter. Criteria: GeneDx Variant Classification Process June 2021. Collection method: clinical testing. Allele origin: germline. Affected: yes.
Comment: In silico analysis supports that this missense variant does not alter protein structure/function; This variant is associated with the following publications: (PMID: 30919572)

NM_001271.4(CHD2):c.4952G>A (p.Gly1651Asp)

Gene: CHD2 (chromodomain helicase DNA binding protein 2; plus strand). Cytogenetic location: 15q26.1.
Variant type: single nucleotide variant.
Coding change: c.4952G>A on transcript NM_001271.4 (MANE Select); coding-DNA position 4952, G replaced by A.
Protein change: p.Gly1651Asp; replaces glycine 1651 with aspartic acid.
Molecular consequence: missense variant.
Genome position (GRCh38, 1-based): chr15:93,020,057, G>A. VCF-style: chr15-93020057-G-A. GRCh37 (hg19) VCF-style: chr15-93563287-G-A.
Other names: short protein forms G1651D.
Identifiers: ClinVar variation 3338776 (VCV003338776.1).
Genomic context (GRCh38, chr15:93,020,057, plus strand): 5'-TTTCTTTTCCTGCAGATCGAGGAGACTGGCAGAGGGAAAGAAAGTTCAACTATGGTGGTG[G>A]CAACAACAATCCACCATGGGGAAGCGACAGGCACCATCAGTATGAGCAGCACTGGTACAA-3'
Protein context (NP_001262.3, residues 1641-1661): QRERKFNYGG[Gly1651Asp]NNNPPWGSDR